The following is an entry in ClinVar:

ClinVar aggregate classification (germline): Uncertain significance (1 of 4 stars; one submission).

Conditions:
Primary ciliary dyskinesia. Also called: Ciliary dyskinesia. Identifiers: Orphanet 244, MedGen C0008780, MONDO:0016575, HP:0012265.

Submission:

Labcorp Genetics (formerly Invitae), Labcorp
Classification: Uncertain significance for Primary ciliary dyskinesia. Last evaluated: 2025-03-28. Review status: criteria provided, single submitter. Criteria: Invitae Variant Classification Sherloc (09022015). Collection method: clinical testing. Allele origin: germline.
Comment: This sequence change affects codon 546 of the DNAAF1 mRNA. It is a 'silent' change, meaning that it does not change the encoded amino acid sequence of the DNAAF1 protein. This variant is not present in population databases (gnomAD no frequency). This variant has not been reported in the literature in individuals affected with DNAAF1-related conditions. Algorithms developed to predict the effect of sequence changes on RNA splicing suggest that this variant may disrupt the consensus splice site. In summary, the available evidence is currently insufficient to determine the role of this variant in disease. Therefore, it has been classified as a Variant of Uncertain Significance.

NM_178452.6(DNAAF1):c.1638C>T (p.Cys546=)

Gene: DNAAF1 (dynein axonemal assembly factor 1; plus strand). Cytogenetic location: 16q24.1.
Variant type: single nucleotide variant.
Coding change: c.1638C>T on transcript NM_178452.6 (MANE Select); coding-DNA position 1638, C replaced by T.
Protein change: p.Cys546=; no amino-acid change (cysteine 546 retained).
Molecular consequence: synonymous variant.
Genome position (GRCh38, 1-based): chr16:84,172,369, C>T. VCF-style: chr16-84172369-C-T. GRCh37 (hg19) VCF-style: chr16-84205975-C-T.
Other names: c.930C>T, p.Cys310= (NM_001318756.1).
Identifiers: ClinVar variation 4782232 (VCV004782232.1).
Genomic context (GRCh38, chr16:84,172,369, plus strand): 5'-TGATGGAACGAGAACGGAAGATTTAGAAACCATTAGACTGGAGACAAAGGAGACATTCTG[C>T]ATTGATGTACATGAAGTATTTAATCTTGGAGATAAGTATCAGTTTTACTGTTAGTAAAAT-3'
Protein context (NP_848547.4, residues 536-556): TIRLETKETF[Cys546=]IDDLPDLEDD